The following is an entry in ClinVar:

ClinVar aggregate classification (germline): Pathogenic/Likely pathogenic. Review status: criteria provided, multiple submitters, no conflicts (2 of 4 stars). 6 submissions from 6 submitters: Pathogenic (4); Likely pathogenic (1). 1 of the submissions does not count toward it. Last evaluated 2026-01-08.

Conditions:
Homocystinuria. Identifiers: MedGen C0019880, MONDO:0004737, HP:0002156.
Classic homocystinuria. Also called: Homocystinuria due to Cystathionine Beta-Synthase Deficiency; HOMOCYSTINURIA WITH OR WITHOUT RESPONSE TO PYRIDOXINE; Homocystinuria due to CBS deficiency; Cystathionine beta-synthase deficiency; CBS deficiency. Identifiers: Orphanet 394, MedGen C0751202, MONDO:0009352, OMIM 236200.
HYPERHOMOCYSTEINEMIA, THROMBOTIC, CBS-RELATED. Identifiers: MedGen C3150344, OMIM 236200.

Allele frequency attached by ClinVar (database versions not stated): ExAC 0.00001; gnomAD exomes 0.00001; gnomAD 0.00003.

Submissions (6):

Labcorp Genetics (formerly Invitae), Labcorp
Classification: Pathogenic for HYPERHOMOCYSTEINEMIA, THROMBOTIC, CBS-RELATED. Last evaluated: 2026-01-08. Review status: criteria provided, single submitter. Criteria: Invitae Variant Classification Sherloc (09022015). Collection method: clinical testing. Allele origin: germline.
Comment: This sequence change affects an acceptor splice site in intron 8 of the CBS gene. It is expected to disrupt RNA splicing. Variants that disrupt the donor or acceptor splice site typically lead to a loss of protein function (PMID: 16199547), and loss-of-function variants in CBS are known to be pathogenic (PMID: 10338090, 12124992). This variant is present in population databases (rs757428597, gnomAD 0.002%). Disruption of this splice site has been observed in individual(s) with homocystinuria (PMID: 14635102). In at least one individual the data is consistent with being in trans (on the opposite chromosome) from a pathogenic variant. ClinVar contains an entry for this variant (Variation ID: 471366). Algorithms developed to predict the effect of sequence changes on RNA splicing suggest that this variant may disrupt the consensus splice site. For these reasons, this variant has been classified as Pathogenic.

Natera, Inc.
Classification: Pathogenic for Homocystinuria due to cystathionine beta-synthase deficiency. Last evaluated: 2025-01-23. Review status: criteria provided, single submitter. Criteria: Natera Variant Classification Schema (03/2026). Collection method: clinical testing. Allele origin: germline.
Comment: The c.737-1G>C variant in CBS is a canonical splice acceptor site variant predicted to affect pre-mRNA splicing, which may result in an abnormal transcript and altered protein product. This variant is expected to result in nonsense mediated decay, truncation, or a dysfunctional protein product. This variant is rare in the general population with a frequency below the threshold expected for the associated phenotype(s). This variant has been observed in one or more individuals affected with the associated recessive disease, as either homozygous or compound heterozygous with a second variant (PMID: 14635102). Given the available evidence, this variant is classified as Pathogenic.

Baylor Genetics
Classification: Pathogenic for Classic homocystinuria. Last evaluated: 2024-03-20. Review status: criteria provided, single submitter. Criteria: ACMG Guidelines, 2015. Collection method: clinical testing. Allele origin: unknown.

GeneDx
Classification: Pathogenic. Last evaluated: 2023-02-16. Review status: criteria provided, single submitter. Criteria: GeneDx Variant Classification Process June 2021. Collection method: clinical testing. Allele origin: germline. Affected: yes.
Comment: Not observed at significant frequency in large population cohorts (gnomAD); Canonical splice site variant predicted to result in a null allele in a gene for which loss of function is a known mechanism of disease; This variant is associated with the following publications: (PMID: 14635102)

Women's Health and Genetics/Laboratory Corporation of America, LabCorp
Classification: Likely pathogenic for Homocystinuria. Last evaluated: 2022-03-04. Review status: criteria provided, single submitter. Criteria: LabCorp Variant Classification Summary - May 2015. Collection method: clinical testing. Allele origin: germline.
Comment: Variant summary: CBS c.737-1G>C is located in a canonical splice-site and is predicted to affect mRNA splicing resulting in a significantly altered protein due to either exon skipping, shortening, or inclusion of intronic material. Several computational tools predict a significant impact on normal splicing: three predict the variant abolishes a 3' acceptor site. However, these predictions have yet to be confirmed by functional studies. The variant allele was found at a frequency of 8.3e-06 in 241320 control chromosomes (gnomAD). c.737-1G>C has been reported in the literature in at least one compound heterozygous individual affected with Homocystinuria, who carried a pathogenic variant in trans (Kruger_2003). To our knowledge, no experimental evidence demonstrating an impact on protein function has been reported. Two other clinical diagnostic laboratories have submitted clinical-significance assessments for this variant to ClinVar after 2014 without evidence for independent evaluation, and classified the variant as pathogenic/likely pathogenic. Based on the evidence outlined above, the variant was classified as likely pathogenic.

Counsyl
Classification: Likely pathogenic for Classic homocystinuria. Last evaluated: 2018-02-02. Review status: no assertion criteria provided. Collection method: clinical testing. Allele origin: unknown. Not counted in ClinVar's aggregate classification.

Literature cited by the submitters: PubMed 16199547 (cited by Labcorp Genetics (formerly Invitae), Labcorp); PubMed 10338090 (cited by Labcorp Genetics (formerly Invitae), Labcorp); PubMed 12124992 (cited by Labcorp Genetics (formerly Invitae), Labcorp); PubMed 14635102 (cited by 4 submitters).

NM_000071.3(CBS):c.737-1G>C

Gene: CBS (cystathionine beta-synthase; minus strand). Cytogenetic location: 21q22.3.
Variant type: single nucleotide variant.
Coding change: c.737-1G>C on transcript NM_000071.3 (MANE Select); the canonical splice acceptor site of the intron before coding-DNA position 737, G replaced by C.
Molecular consequence: splice acceptor variant.
Genome position (GRCh38, 1-based): chr21:43,063,992, C>G on the plus strand (G>C on the coding strand, the complement: CBS is on the minus strand). VCF-style: chr21-43063992-C-G. GRCh37 (hg19) VCF-style: chr21-44484102-C-G.
Other names: c.737-1G>C (NM_001320298.2, NM_001178009.3, NM_001178008.3); c.422-1G>C (NM_001321072.1).
Identifiers: ClinVar variation 471366 (VCV000471366.20), dbSNP rs757428597, ClinGen allele CA321094412.